The following is an entry in ClinVar:

ClinVar aggregate classification (germline): Uncertain significance. Review status: criteria provided, multiple submitters, no conflicts (2 of 4 stars). 4 submissions from 4 submitters: Uncertain significance (4). Last evaluated 2025-12-04.

Conditions:
Inborn genetic diseases. Identifiers: MedGen C0950123, MeSH D030342.

Submissions (4):

Ambry Genetics
Classification: Uncertain significance for Inborn genetic diseases. Last evaluated: 2025-12-04. Review status: criteria provided, single submitter. Criteria: Ambry Variant Classification Scheme 2023. Collection method: clinical testing. Allele origin: germline.
Comment: The c.1098_1109del12 (p.R367_A370del) alteration is located in exon 7 (coding exon 7) of the HEPACAM gene. This alteration consists of an in-frame deletion of 12 nucleotides between nucleotide positions c.1098 and c.1109, resulting in the deletion of 4 residues. This variant was not reported in population-based cohorts in the Genome Aggregation Database (gnomAD). Based on insufficient or conflicting evidence, the clinical significance of this alteration remains unclear.

Labcorp Genetics (formerly Invitae), Labcorp
Classification: Uncertain significance. Last evaluated: 2025-09-22. Review status: criteria provided, single submitter. Criteria: Invitae Variant Classification Sherloc (09022015). Collection method: clinical testing. Allele origin: germline.
Comment: This variant, c.1098_1109del, results in the deletion of 4 amino acid(s) of the HEPACAM protein (p.Arg367_Ala370del), but otherwise preserves the integrity of the reading frame. This variant is present in population databases (no rsID available, gnomAD 0.02%). This variant has not been reported in the literature in individuals affected with HEPACAM-related conditions. ClinVar contains an entry for this variant (Variation ID: 1344924). Experimental studies and prediction algorithms are not available or were not evaluated, and the functional significance of this variant is currently unknown. In summary, the available evidence is currently insufficient to determine the role of this variant in disease. Therefore, it has been classified as a Variant of Uncertain Significance.

CeGaT Center for Human Genetics Tuebingen
Classification: Uncertain significance. Last evaluated: 2024-03-01. Review status: criteria provided, single submitter. Criteria: CeGaT Center For Human Genetics Tuebingen Variant Classification Criteria Version 2. Collection method: clinical testing. Allele origin: germline. Affected: yes. Observed: 1 variant allele.
Comment: HEPACAM: PM4

GeneDx
Classification: Uncertain significance. Last evaluated: 2022-03-04. Review status: criteria provided, single submitter. Criteria: GeneDx Variant Classification Process June 2021. Collection method: clinical testing. Allele origin: germline. Affected: yes.
Comment: Has not been previously published as pathogenic or benign to our knowledge; In-frame deletion of 4 amino acids in a non-repeat region; In silico analysis supports a deleterious effect on protein structure/function

NM_152722.5(HEPACAM):c.1086GCGCTCCCCAGC[1] (p.363RSPA[1])

Gene: HEPACAM (hepatic and glial cell adhesion molecule; minus strand). Cytogenetic location: 11q24.2.
Variant type: Microsatellite.
Coding change: c.1086GCGCTCCCCAGC[1] on transcript NM_152722.5 (MANE Select); one copy of the 12-base unit GCGCTCCCCAGC starting at c.1086; the reference has two copies in a row; one copy, 12 bases deleted.
Protein change: p.363RSPA[1].
Molecular consequence: inframe deletion.
Genome position (GRCh38, 1-based): chr11:124,921,280-124,921,291, GCTGGGGAGCGC deleted on the plus strand (GCGCTCCCCAGC on the coding strand, the reverse complement: HEPACAM is on the minus strand); deleting any 12 consecutive bases within chr11:124,921,280-124,921,304 gives the same sequence; the position shown is the placement nearest the transcript's 3' end. VCF-style (leftmost placement, unchanged base first): chr11-124921279-GGCTGGGGAGCGC-G. GRCh37 (hg19) VCF-style: chr11-124791175-GGCTGGGGAGCGC-G.
Other names: c.1098_1109del12 (NM_152722.4).
Identifiers: ClinVar variation 1344924 (VCV001344924.27), dbSNP rs984791128, ClinGen allele CA230384089.
Genomic context (GRCh38, chr11:124,921,279, plus strand): 5'-GCTGCGCGAGCGGCCGGGCGAGCTCGGGGCCCTGGGCGGCGACGAGTGTGTCCGGCCGGT[GGCTGGGGAGCGC>G]GCTGGGGAGCGCGGGTAGCGGCGGGCAGAGCGGATGGGCAGCCCCGGCGAGCGGCCGGGC-3'